The following is an entry in ClinVar:

ClinVar aggregate classification (germline): Uncertain significance. Review status: criteria provided, multiple submitters, no conflicts (2 of 4 stars). 2 submissions from 2 submitters: Uncertain significance (2). Last evaluated 2024-08-20.

Conditions:
Hereditary spastic paraplegia 4. Also called: Spastic paraplegia 4, autosomal dominant; Spastic Paraplegia 4; Familial spastic paraplegia autosomal dominant 2. Identifiers: Orphanet 100985, MedGen C1866855, MONDO:0008438, OMIM 182601.

Allele frequency attached by ClinVar (database versions not stated): gnomAD 0.00001; TOPMed 0.00001.
gnomAD v4.1: 2 of 1,583,178 alleles (0.00013%); highest among the groups gnomAD compares: African/African-American, 0.0013%; no homozygotes.

Submissions (2):

Women's Health and Genetics/Laboratory Corporation of America, LabCorp
Classification: Uncertain significance. Last evaluated: 2024-08-20. Review status: criteria provided, single submitter. Criteria: LabCorp Variant Classification Summary - May 2015. Collection method: clinical testing. Allele origin: germline.
Comment: Variant summary: SPAST c.55C>T (p.Pro19Ser) results in a non-conservative amino acid change in the encoded protein sequence. Three of five in-silico tools predict a benign effect of the variant on protein function. The variant was absent in 192808 control chromosomes. The available data on variant occurrences in the general population are insufficient to allow any conclusion about variant significance. To our knowledge, no occurrence of c.55C>T in individuals affected with Spastic Paraplegia 4, Autosomal Dominant and no experimental evidence demonstrating its impact on protein function have been reported. ClinVar contains an entry for this variant (Variation ID: 335828). Based on the evidence outlined above, the variant was classified as uncertain significance.

Illumina Laboratory Services, Illumina
Classification: Uncertain significance for Hereditary spastic paraplegia 4. Last evaluated: 2018-01-13. Review status: criteria provided, single submitter. Criteria: ICSL Variant Classification Criteria 13 December 2019. Collection method: clinical testing. Allele origin: germline.

NM_014946.4(SPAST):c.55C>T (p.Pro19Ser)

Gene: SPAST (spastin; plus strand). Cytogenetic location: 2p22.3.
Variant type: single nucleotide variant.
Coding change: c.55C>T on transcript NM_014946.4 (MANE Select); coding-DNA position 55, C replaced by T.
Protein change: p.Pro19Ser; replaces proline 19 with serine.
Molecular consequence: missense variant.
Genome position (GRCh38, 1-based): chr2:32,063,886, C>T. VCF-style: chr2-32063886-C-T. GRCh37 (hg19) VCF-style: chr2-32288955-C-T.
Other names: c.55C>T, p.Pro19Ser (NM_001363823.2, NM_001363875.2, NM_001377959.1 and 1 more transcripts); short protein forms P19S.
Identifiers: ClinVar variation 335828 (VCV000335828.6), dbSNP rs372349942, ClinGen allele CA10615118.